The following is an entry in ClinVar:

NM_001018113.3(FANCB):c.652G>C (p.Glu218Gln)

Gene: FANCB (FA complementation group B; minus strand). Cytogenetic location: Xp22.2.
Variant type: single nucleotide variant.
Coding change: c.652G>C on transcript NM_001018113.3 (MANE Select); coding-DNA position 652, G replaced by C.
Protein change: p.Glu218Gln; replaces glutamic acid 218 with glutamine.
Molecular consequence: missense variant.
Genome position (GRCh38, 1-based): chrX:14,864,859, C>G on the plus strand (G>C on the coding strand, the complement: FANCB is on the minus strand). VCF-style: chrX-14864859-C-G. GRCh37 (hg19) VCF-style: chrX-14882981-C-G.
Other names: c.652G>C, p.Glu218Gln (NM_152633.4, NM_001324162.2); short protein forms E218Q.
Identifiers: ClinVar variation 408163 (VCV000408163.8), dbSNP rs747819351, ClinGen allele CA10353184.
Genomic context (GRCh38, chrX:14,864,859, plus strand): 5'-TCACCACACTGCTGTAAGCAGGAGGAATAATGTATATATCACTTAATACTTCTTGACTTT[C>G]AAGAGAATATACACAAAATTTGGTATTCCAAATTGCATAATCTGATTTTGAAGGCTCTTG-3'
Protein context (NP_001018123.1, residues 208-228): WNTKFCVYSL[Glu218Gln]SQEVLSDIYI

ClinVar aggregate classification (germline): Uncertain significance. Review status: criteria provided, multiple submitters, no conflicts (2 of 4 stars). 2 submissions from 2 submitters: Uncertain significance (2). Last evaluated 2022-01-05.

Conditions:
Fanconi anemia complementation group B (FANCB). Also called: FANCB-Related Fanconi Anemia; FANCONI PANCYTOPENIA, TYPE 2. Identifiers: Orphanet 84, MedGen C1845292, MONDO:0010351, OMIM 300514.
VACTERL association, X-linked, with or without hydrocephalus (VACTERLX). Also called: VACTERL Association with Hydrocephalus, X-linked; X-linked VACTERL-H syndrome; VACTERL ASSOCIATION, X-LINKED; VACTERL-H, X-LINKED. Identifiers: Orphanet 3412, MedGen C2931228, MONDO:0010752, OMIM 314390.
Fanconi anemia (FA). Also called: Fanconi's anemia. Identifiers: Orphanet 84, MedGen C0015625, MeSH D005199, MONDO:0019391.

Allele frequency attached by ClinVar (database versions not stated): gnomAD exomes below 0.00001 and 0.00001; TOPMed below 0.00001; ExAC 0.00001.
gnomAD v4.1: 1 of 1,210,040 alleles (0.000083%); highest among the groups gnomAD compares: Admixed American, 0.0022%; no homozygotes.

Submissions (2):

Fulgent Genetics
Classification: Uncertain significance for Fanconi anemia complementation group B; VACTERL association, X-linked, with or without hydrocephalus. Last evaluated: 2022-01-05. Review status: criteria provided, single submitter. Criteria: ACMG Guidelines, 2015. Collection method: clinical testing. Allele origin: unknown.

Labcorp Genetics (formerly Invitae), Labcorp
Classification: Uncertain significance for Fanconi anemia. Last evaluated: 2016-06-27. Review status: criteria provided, single submitter. Criteria: Invitae Variant Classification Sherloc (09022015). Collection method: clinical testing. Allele origin: germline.
Comment: This sequence change replaces glutamic acid with glutamine at codon 218 of the FANCB protein (p.Glu218Gln). The glutamic acid residue is moderately conserved and there is a small physicochemical difference between glutamic acid and glutamine. In summary, this variant is a rare missense change with uncertain impact on protein function. It has been classified as a Variant of Uncertain Significance. Algorithms developed to predict the effect of missense changes on protein structure and function do not agree on the potential impact of this missense change (SIFT: "Deleterious"; PolyPhen-2: "Possibly Damaging"; Align-GVGD: "Class C0"). The frequency data for this variant (rs747819351) in the population databases is unreliable, as metrics indicate poor quality at this position in the ExAC database.